The following is an entry in ClinVar:

ClinVar aggregate classification (germline): Likely pathogenic. Review status: criteria provided, multiple submitters, no conflicts (2 of 4 stars). 2 submissions from 2 submitters: Likely pathogenic (2). Last evaluated 2020-06-25.

Conditions:
Rare genetic deafness. Identifiers: Orphanet 96210, MedGen C5680250.
Autosomal recessive nonsyndromic hearing loss 84B. Also called: Deafness, autosomal recessive 84b. Identifiers: Orphanet 90636, MedGen C3554159, MONDO:0013984, OMIM 614944.

Allele frequency attached by ClinVar (database versions not stated): gnomAD exomes below 0.00001 and 0.00002; TOPMed below 0.00001; ExAC 0.00001.
gnomAD v4.1: 2 of 1,608,694 alleles (0.00012%); highest among the groups gnomAD compares: East Asian, 0.0045%; no homozygotes.

Submissions (2):

Laboratory for Molecular Medicine, Mass General Brigham Personalized Medicine
Classification: Likely pathogenic for Rare genetic deafness. Last evaluated: 2020-06-25. Review status: criteria provided, single submitter. Criteria: LMM Criteria. Collection method: clinical testing. Allele origin: germline. Inheritance: Autosomal recessive inheritance. Observed: 1 variant allele.
Comment: The c.4055-1G>C variant in OTOGL has not been previously reported in individuals with hearing loss but has been identified in 0.022% (4/17858) of East Asian chromosomes by gnomAD. However, this frequency is low enough to be consistent with a recessive allele frequency. This variant occurs within the canonical splice site (+/- 1,2) and is predicted to cause altered splicing leading to an abnormal or absent protein. Loss of function of the OTOGL gene is an established disease mechanism in autosomal recessive hearing loss. In summary, although additional studies are required to fully establish its clinical significance, this variant meets criteria to be classified as likely pathogenic for autosomal recessive hearing loss. ACMG/AMP Criteria applied: PVS1, PM2.

Juno Genomics, Hangzhou Juno Genomics, Inc
Classification: Likely pathogenic for Autosomal recessive nonsyndromic hearing loss 84B. Review status: criteria provided, single submitter. Criteria: ACMG Guidelines, 2015. Collection method: clinical testing. Allele origin: germline.
Comment: Null variant in a gene where loss of function (LOF) is a known mechanism of disease.;Absent from controls (or at extremely low frequency if recessive) in Genome Aggregation Database.

NM_001378609.3(OTOGL):c.4082-1G>C

Gene: OTOGL (otogelin like; plus strand). Cytogenetic location: 12q21.31.
Variant type: single nucleotide variant.
Coding change: c.4082-1G>C on transcript NM_001378609.3 (MANE Select); the canonical splice acceptor site of the intron before coding-DNA position 4082, G replaced by C.
Molecular consequence: splice acceptor variant.
Genome position (GRCh38, 1-based): chr12:80,323,722, G>C. VCF-style: chr12-80323722-G-C. GRCh37 (hg19) VCF-style: chr12-80717502-G-C.
Other names: c.3947-1G>C (NM_001368062.3); c.4082-1G>C (NM_001378610.3, NM_173591.7).
Identifiers: ClinVar variation 1120061 (VCV001120061.6), dbSNP rs756233978, ClinGen allele CA6701257.